The following is an entry in ClinVar:

NM_030973.4(MED25):c.1677G>C (p.Met559Ile)

Gene: MED25 (mediator complex subunit 25; plus strand). Cytogenetic location: 19q13.33.
Variant type: single nucleotide variant.
Coding change: c.1677G>C on transcript NM_030973.4 (MANE Select); coding-DNA position 1677, G replaced by C.
Protein change: p.Met559Ile; replaces methionine 559 with isoleucine.
Molecular consequence: missense variant.
Genome position (GRCh38, 1-based): chr19:49,835,536, G>C. VCF-style: chr19-49835536-G-C. GRCh37 (hg19) VCF-style: chr19-50338793-G-C.
Other names: c.1677G>C, p.Met559Ile (NM_001378355.1); short protein forms M559I.
Identifiers: ClinVar variation 476802 (VCV000476802.12), dbSNP rs369006637, ClinGen allele CA9585344.
Genomic context (GRCh38, chr19:49,835,536, plus strand): 5'-CTCAGATTCAGGATGCCACCACCCTCAGTTACTGACCTGCCCCTCTCTCCCCGTGCAGAT[G>C]GGGGGACAGCAGGCACCCCCAGGGCTGGGGCCCATTCTGGAGGACCAAGCCAGGCCCTCA-3'
Protein context (NP_112235.2, residues 549-569): QQKLEQQQRG[Met559Ile]GGQQAPPGLG

ClinVar aggregate classification (germline): Conflicting classifications of pathogenicity. Review status: criteria provided, conflicting classifications (1 of 4 stars). 6 submissions from 6 submitters: Uncertain significance (5); Likely benign (1). Last evaluated 2025-07-09.

Conditions:
Congenital cataract-microcephaly-nevus flammeus simplex-severe intellectual disability syndrome. Also called: Basel-Vanagaite-Smirin-Yosef syndrome. Identifiers: Orphanet 464738, MedGen C4225323, MONDO:0014643, OMIM 616449.
Charcot-Marie-Tooth disease type 2. Also called: Charcot-Marie-Tooth type 2. Identifiers: Orphanet 64746, MedGen C0270914, MONDO:0018993.
Charcot-Marie-Tooth disease. Also called: Charcot-Marie-Tooth Neuropathy; Charcot-Marie-Tooth Hereditary Neuropathy. Identifiers: Orphanet 166, MedGen C0007959, MONDO:0015626.

Allele frequency attached by ClinVar (database versions not stated): ESP Exome Variant Server 0.00039; gnomAD 0.00041; ExAC 0.00046; TOPMed 0.00049; 1000 Genomes Project 0.00080; 1000 Genomes Project 30x 0.00094.
gnomAD v4.1: 203 of 1,557,508 alleles (0.013%); highest among the groups gnomAD compares: African/African-American, 0.19%; no homozygotes.

Submissions (6):

ARUP Laboratories, Molecular Genetics and Genomics, ARUP Laboratories
Classification: Uncertain significance for Congenital cataract-microcephaly-nevus flammeus simplex-severe intellectual disability syndrome. Last evaluated: 2025-07-09. Review status: criteria provided, single submitter. Criteria: ARUP Molecular Germline Variant Investigation Process 2024. Collection method: clinical testing. Allele origin: germline.
Comment: The MED25 c.1677G>C; p.Met559Ile variant (rs369006637, ClinVar Variation ID: 476802) is reported in the literature in one individual with clinical suspicion of Charcot-Marie-Tooth disease (CMT; Volodarsky 2021). This variant is found in the general population with an overall allele frequency of 0.016% (33/200234 alleles) in the Genome Aggregation Database (v2.1.1). Computational analyses are uncertain whether this variant is neutral or deleterious. Due to limited information, the clinical significance of this variant is uncertain at this time. References: Volodarsky M et al. Comprehensive genetic sequence and copy number analysis for Charcot-Marie-Tooth disease in a Canadian cohort of 2517 patients. J Med Genet. 2021 Apr;58(4):284-288. PMID: 32376792.

Blueprint Genetics
Classification: Uncertain significance. Last evaluated: 2024-10-07. Review status: criteria provided, single submitter. Criteria: ACMG Guidelines, 2015. Collection method: clinical testing. Allele origin: germline.

GeneDx
Classification: Likely benign. Last evaluated: 2024-01-20. Review status: criteria provided, single submitter. Criteria: GeneDx Variant Classification Process June 2021. Collection method: clinical testing. Allele origin: germline. Affected: yes.
Comment: See Variant Classification Assertion Criteria.

Labcorp Genetics (formerly Invitae), Labcorp
Classification: Uncertain significance for Charcot-Marie-Tooth disease type 2. Last evaluated: 2022-08-07. Review status: criteria provided, single submitter. Criteria: Invitae Variant Classification Sherloc (09022015). Collection method: clinical testing. Allele origin: germline.
Comment: This sequence change replaces methionine, which is neutral and non-polar, with isoleucine, which is neutral and non-polar, at codon 559 of the MED25 protein (p.Met559Ile). This variant is present in population databases (rs369006637, gnomAD 0.1%). This missense change has been observed in individual(s) with clinical features of Charcot-Marie-Tooth disease (PMID: 32376792). ClinVar contains an entry for this variant (Variation ID: 476802). Algorithms developed to predict the effect of missense changes on protein structure and function output the following: SIFT: "Deleterious"; PolyPhen-2: "Benign"; Align-GVGD: "Class C0". The isoleucine amino acid residue is found in multiple mammalian species, which suggests that this missense change does not adversely affect protein function. In summary, the available evidence is currently insufficient to determine the role of this variant in disease. Therefore, it has been classified as a Variant of Uncertain Significance.

Breakthrough Genomics
Classification: Uncertain significance. Review status: criteria provided, single submitter. Criteria: ACMG Guidelines, 2015. Collection method: not provided. Allele origin: germline. Inheritance: Autosomal dominant inheritance. Affected: yes.

Molecular Genetics Laboratory, London Health Sciences Centre
Classification: Uncertain significance for Charcot-Marie-Tooth disease. Review status: criteria provided, single submitter. Criteria: ACMG Guidelines, 2015. Collection method: clinical testing. Allele origin: germline. Affected: yes.

Literature cited by the submitters: PubMed 32376792 (cited by Labcorp Genetics (formerly Invitae), Labcorp).